The following is an entry in ClinVar:

NM_139119.3(YY1AP1):c.405A>G (p.Ile135Met)

Gene: YY1AP1 (YY1 associated protein 1; minus strand). Cytogenetic location: 1q22.
Variant type: single nucleotide variant.
Coding change: c.405A>G on transcript NM_139119.3 (MANE Select); coding-DNA position 405, A replaced by G.
Protein change: p.Ile135Met; replaces isoleucine 135 with methionine.
Molecular consequence: missense variant.
Genome position (GRCh38, 1-based): chr1:155,675,016, T>C on the plus strand (A>G on the coding strand, the complement: YY1AP1 is on the minus strand). VCF-style: chr1-155675016-T-C. GRCh37 (hg19) VCF-style: chr1-155644807-T-C.
Other names: c.372A>G, p.Ile124Met (NM_001198899.2, NM_001198900.2, NM_018253.4); c.405A>G, p.Ile135Met (NM_001198901.2, NM_001198902.2, NM_001198905.2); c.819A>G, p.Ile273Met (NM_001198903.1, NM_001198904.1); c.603A>G, p.Ile201Met (NM_001198906.2, NM_139118.3); c.207A>G, p.Ile69Met (NM_139121.3); short protein forms I124M, I135M, I201M, I273M, I69M.
Identifiers: ClinVar variation 3235846 (VCV003235846.2), dbSNP rs374748241, ClinGen allele CA1148818.

ClinVar aggregate classification (germline): Uncertain significance. Review status: criteria provided, multiple submitters, no conflicts (2 of 4 stars). 2 submissions from 2 submitters: Uncertain significance (2). Last evaluated 2024-10-25.

Conditions:
Inborn genetic diseases. Identifiers: MedGen C0950123, MeSH D030342.

Allele frequency attached by ClinVar (database versions not stated): ExAC 0.00002; ESP Exome Variant Server 0.00008; gnomAD 0.00010.
gnomAD v4.1: 39 of 1,612,988 alleles (0.0024%); highest among the groups gnomAD compares: African/African-American, 0.04%; no homozygotes.

Submissions (2):

Ambry Genetics
Classification: Uncertain significance for Inborn genetic diseases. Last evaluated: 2024-10-25. Review status: criteria provided, single submitter. Criteria: Ambry Variant Classification Scheme 2023. Collection method: clinical testing. Allele origin: germline.

Greenwood Genetic Center Diagnostic Laboratories, Greenwood Genetic Center
Classification: Uncertain significance. Last evaluated: 2024-01-22. Review status: criteria provided, single submitter. Criteria: ACMG Guidelines, 2015. Collection method: clinical testing. Allele origin: germline. Affected: yes.
Comment: BP4